The following is an entry in ClinVar:

ClinVar aggregate classification (germline): Uncertain significance (1 of 4 stars; one submission).

Conditions:
Inborn genetic diseases. Identifiers: MedGen C0950123, MeSH D030342.

Submission:

Ambry Genetics
Classification: Uncertain significance for Inborn genetic diseases. Last evaluated: 2024-12-19. Review status: criteria provided, single submitter. Criteria: Ambry Variant Classification Scheme 2023. Collection method: clinical testing. Allele origin: germline.
Comment: The p.P182S variant (also known as c.544C>T), located in coding exon 1 of the WT1 gene, results from a C to T substitution at nucleotide position 544. The proline at codon 182 is replaced by serine, an amino acid with similar properties. This amino acid position is well conserved in available vertebrate species. In addition, this alteration is predicted to be tolerated by in silico analysis. Based on the available evidence, the clinical significance of this variant remains unclear.

NM_024426.6(WT1):c.559C>T (p.Pro187Ser)

Genes: WT1 (WT1 transcription factor; minus strand), LOC107982234 (WT1/WT1-AS bi-directional promoter region; plus strand). Cytogenetic location: 11p13.
Variant type: single nucleotide variant.
Coding change: c.559C>T on transcript NM_024426.6 (MANE Select); coding-DNA position 559, C replaced by T.
Protein change: p.Pro187Ser; replaces proline 187 with serine.
Molecular consequence: missense variant. On other transcripts: non-coding transcript variant (2).
Genome position (GRCh38, 1-based): chr11:32,434,802, G>A on the plus strand (C>T on the coding strand, the complement: WT1 is on the minus strand). VCF-style: chr11-32434802-G-A. GRCh37 (hg19) VCF-style: chr11-32456348-G-A.
Other names: c.559C>T, p.Pro187Ser (NM_000378.6, NM_001407044.1, NM_001407045.1 and 6 more transcripts); c.340C>T, p.Pro114Ser (NM_001429031.1, NM_001429032.1, NM_001429033.1 and 1 more transcripts); short protein forms P182S, P114S, P187S.
Identifiers: ClinVar variation 3817438 (VCV003817438.1).